The following is an entry in ClinVar:

NM_000130.5(F5):c.5521G>A (p.Val1841Met)

Gene: F5 (coagulation factor V; minus strand). Cytogenetic location: 1q24.2.
Variant type: single nucleotide variant.
Coding change: c.5521G>A on transcript NM_000130.5 (MANE Select); coding-DNA position 5521, G replaced by A.
Protein change: p.Val1841Met; replaces valine 1841 with methionine.
Molecular consequence: missense variant.
Genome position (GRCh38, 1-based): chr1:169,527,993, C>T on the plus strand (G>A on the coding strand, the complement: F5 is on the minus strand). VCF-style: chr1-169527993-C-T. GRCh37 (hg19) VCF-style: chr1-169497231-C-T.
Other names: short protein forms V1841M.
Identifiers: ClinVar variation 4746896 (VCV004746896.1).

ClinVar aggregate classification (germline): Pathogenic (1 of 4 stars; one submission).

Conditions:
Congenital factor V deficiency. Also called: Hereditary factor V deficiency disease; LABILE FACTOR DEFICIENCY; OWREN PARAHEMOPHILIA; PARAHEMOPHILIA. Identifiers: Orphanet 326, MedGen C0015499, MONDO:0009210, OMIM 227400.

gnomAD v4.1: 9 of 1,613,790 alleles (0.00056%); highest among the groups gnomAD compares: East Asian, 0.0022%; no homozygotes.

Submission:

Labcorp Genetics (formerly Invitae), Labcorp
Classification: Pathogenic for Congenital factor V deficiency. Last evaluated: 2025-07-09. Review status: criteria provided, single submitter. Criteria: Invitae Variant Classification Sherloc (09022015). Collection method: clinical testing. Allele origin: germline.
Comment: This sequence change replaces valine, which is neutral and non-polar, with methionine, which is neutral and non-polar, at codon 1841 of the F5 protein (p.Val1841Met). This variant is present in population databases (rs142537705, gnomAD 0.003%). This missense change has been observed in individual(s) with autosomal recessive deficiency of coagulation factor V (PMID: 12816860, 18192108). In at least one individual the data is consistent with being in trans (on the opposite chromosome) from a pathogenic variant. This variant is also known as Val1813Met. An algorithm developed to predict the effect of missense changes on protein structure and function (PolyPhen-2) suggests that this variant is likely to be disruptive. Experimental studies have shown that this missense change affects F5 function (PMID: 12816860, 18192108). For these reasons, this variant has been classified as Pathogenic.

Literature cited by the submitters: PubMed 12816860; PubMed 18192108.